The following is an entry in ClinVar:

ClinVar aggregate classification (germline): Conflicting classifications of pathogenicity. Review status: criteria provided, conflicting classifications (1 of 4 stars). 2 submissions from 2 submitters: Likely pathogenic (1); Uncertain significance (1). Last evaluated 2020-08-10.

Conditions:
COG4-congenital disorder of glycosylation. Also called: CONGENITAL DISORDER OF GLYCOSYLATION, TYPE IIj; CDG IIj; COG4-CDG. Identifiers: Orphanet 263501, MedGen C4303552, MONDO:0013281, OMIM 613489.
Microcephalic osteodysplastic dysplasia, Saul-Wilson type. Also called: Saul-Wilson Syndrome; MICROCEPHALIC OSTEODYSPLASTIC DYSPLASIA. Identifiers: Orphanet 85172, MedGen C4509877, MONDO:0019407, OMIM 618150.

Submissions (2):

Revvity Omics, Revvity
Classification: Uncertain significance. Last evaluated: 2020-08-10. Review status: criteria provided, single submitter. Criteria: ACMG Guidelines, 2015. Collection method: clinical testing. Allele origin: germline.

Juno Genomics, Hangzhou Juno Genomics, Inc
Classification: Likely pathogenic for COG4-congenital disorder of glycosylation; Microcephalic osteodysplastic dysplasia, Saul-Wilson type. Review status: criteria provided, single submitter. Criteria: ACMG Guidelines, 2015. Collection method: clinical testing. Allele origin: germline.
Comment: Null variant in a gene where loss of function (LOF) is a known mechanism of disease.;Absent from controls (or at extremely low frequency if recessive) in Genome Aggregation Database.

NM_015386.3(COG4):c.202_203del (p.Leu68fs)

Gene: COG4 (component of oligomeric golgi complex 4; minus strand). Cytogenetic location: 16q22.1.
Variant type: Deletion.
Coding change: c.202_203del on transcript NM_015386.3 (MANE Select); coding-DNA positions 202 to 203, 2 bases deleted (TT; older notation c.202_203delTT).
Protein change: p.Leu68fs; shifts the reading frame from leucine 68.
Molecular consequence: frameshift variant. On other transcripts: 5 prime UTR variant (1), non-coding transcript variant (1).
Genome position (GRCh38, 1-based): chr16:70,519,700-70,519,701, AA deleted on the plus strand (TT on the coding strand, the reverse complement: COG4 is on the minus strand); deleting any 2 consecutive bases within chr16:70,519,700-70,519,703 gives the same sequence; the c. name uses the placement nearest the transcript's 3' end. VCF-style (leftmost placement, unchanged base first): chr16-70519699-CAA-C. GRCh37 (hg19) VCF-style: chr16-70553602-CAA-C.
Other names: c.190_191del, p.Leu64fs (NM_001195139.2); c.-398_-397del (NM_001365426.1); short protein forms L64fs, L68fs.
Identifiers: ClinVar variation 2440188 (VCV002440188.5), dbSNP rs767979499, ClinGen allele CA8144779.
Genomic context (GRCh38, chr16:70,519,699, plus strand): 5'-ACAGACTCACCCCATTCGGTGGAGAGTGACCATCTTACTTTCAATGGTGTTTTGCTGTTC[CAA>C]AAGAGCATCCAGCTCTCTCTCCACCACTTTCTGAAACACAGAGAAACATCCTGTCAGCAG-3'